The following is an entry in ClinVar:

NM_000202.8(IDS):c.298dup (p.Thr100fs)

Gene: IDS (iduronate 2-sulfatase; minus strand). Cytogenetic location: Xq28.
Variant type: Duplication.
Coding change: c.298dup on transcript NM_000202.8 (MANE Select); coding-DNA position 298, one base duplicated (A; older notation c.298dupA).
Protein change: p.Thr100fs; shifts the reading frame from threonine 100.
Molecular consequence: frameshift variant. On other transcripts: non-coding transcript variant (1).
Genome position (GRCh38, 1-based): chrX:149,503,432, T duplicated on the plus strand (A on the coding strand, the reverse complement: IDS is on the minus strand). VCF-style (leftmost placement, unchanged base first): chrX-149503431-G-GT. GRCh37 (hg19) VCF-style: chrX-148584961-G-GT.
Other names: c.28dup, p.Thr10fs (NM_001166550.4); c.298dup, p.Thr100fs (NM_006123.5); short protein forms T100fs, T10fs.
Identifiers: ClinVar variation 3255659 (VCV003255659.2).
Genomic context (GRCh38, chrX:149,503,431, plus strand): 5'-GGGATGGTGGAGAAGTTTCCAGCGTGCACCCTCCAGTAGGAGTTGAAGTCGTACAGGCGG[G>GT]TGGTGTCAGGTCTCCTGCCAGTGAGGAAAGAAACGCGGCTCGGGGCGCACACTGCTTGCT-3'

ClinVar aggregate classification (germline): Pathogenic (1 of 4 stars; one submission).

Conditions:
Mucopolysaccharidosis, MPS-II (MPS2). Also called: Hunter Syndrome; IDURONATE 2-SULFATASE DEFICIENCY; Mucopolysaccharidosis Type II; Mucopolysaccharidosis type 2; Attenuated MPS (subtype; formerly known as mild MPS II); Severe MPS II. Identifiers: Orphanet 580, Orphanet 79388, MedGen C0026705, MONDO:0010674, OMIM 309900.

Submission:

Laboratory of Diagnosis and Therapy of Lysosomal Disorders, University of Padova
Classification: Pathogenic for Mucopolysaccharidosis, MPS-II. Last evaluated: 2024-06-07. Review status: criteria provided, single submitter. Criteria: ACMG Guidelines, 2015. Collection method: literature only. Allele origin: germline. Affected: yes. Observed: 1 variant allele.
Comment: Null variant (PVS1_VeryStrong), Absent from controls (or at low frequency) in gnomAD database (PM2_Moderate), Patient’s phenotype or family history highly specific for the disease (PP4_Strong)

Classification method: ACMG Guidelines [PMID:25741868] with modifications

Literature cited by the submitters: PubMed 10671065.